The following is an entry in ClinVar:

ClinVar aggregate classification (germline): Pathogenic (1 of 4 stars; one submission).

Conditions:
Syndromic multisystem autoimmune disease due to ITCH deficiency. Also called: AUTOIMMUNE DISEASE, MULTISYSTEM, WITH FACIAL DYSMORPHISM. Identifiers: Orphanet 228426, MedGen C3150649, MONDO:0013245, OMIM 613385.

Submission:

Labcorp Genetics (formerly Invitae), Labcorp
Classification: Pathogenic for Syndromic multisystem autoimmune disease due to ITCH deficiency. Last evaluated: 2022-03-15. Review status: criteria provided, single submitter. Criteria: Invitae Variant Classification Sherloc (09022015). Collection method: clinical testing. Allele origin: germline.
Comment: For these reasons, this variant has been classified as Pathogenic. This variant has not been reported in the literature in individuals affected with ITCH-related conditions. This variant is a gross deletion of the genomic region encompassing exon(s) 15-22 of the ITCH gene. This deletion is out-of-frame, and is expected to create a premature termination codon and result in an absent or disrupted protein product. Loss-of-function variants in ITCH are known to be pathogenic (PMID: 20170897).

Literature cited by the submitters: PubMed 20170897.

NC_000020.10:g.(?_33057833)_(33077751_?)del

Gene: ITCH (itchy E3 ubiquitin protein ligase; plus strand). Cytogenetic location: 20q11.22.
Variant type: Deletion.
Identifiers: ClinVar variation 2426982 (VCV002426982.4).